The following is an entry in ClinVar:

ClinVar aggregate classification (germline): Uncertain significance. Review status: criteria provided, multiple submitters, no conflicts (2 of 4 stars). 2 submissions from 2 submitters: Uncertain significance (2). Last evaluated 2024-12-05.

Conditions:
Ehlers-Danlos syndrome, classic type, 1 (EDSCL1). Also called: Ehlers-Danlos syndrome, type 1; Ehlers-Danlos Syndrome, Classic Type, COL5A1-Related; EDS I; EHLERS-DANLOS SYNDROME, GRAVIS TYPE; EHLERS-DANLOS SYNDROME, SEVERE CLASSIC TYPE. Identifiers: MedGen C0268335, MONDO:0019567, OMIM 130000.
Osteogenesis imperfecta type I (OI1). Also called: Osteogenesis imperfecta type 1; Lobstein's Disease; Lobstein disease; OI, TYPE I; OSTEOGENESIS IMPERFECTA TARDA; OSTEOGENESIS IMPERFECTA WITH BLUE SCLERAE. Identifiers: Orphanet 216796, Orphanet 666, MedGen C0023931, MONDO:0008146, OMIM 166200. Disease mechanism: loss of function.
Cardiovascular phenotype. Identifiers: MedGen CN230736.

gnomAD v4.1: 8 of 1,613,384 alleles (0.0005%); highest among the groups gnomAD compares: African/African-American, 0.0013%; no homozygotes.

Submissions (2):

Ambry Genetics
Classification: Uncertain significance for Cardiovascular phenotype. Last evaluated: 2024-12-05. Review status: criteria provided, single submitter. Criteria: Ambry Variant Classification Scheme 2023. Collection method: clinical testing. Allele origin: germline.
Comment: The p.P50T variant (also known as c.148C>A), located in coding exon 5 of the COL1A2 gene, results from a C to A substitution at nucleotide position 148. The proline at codon 50 is replaced by threonine, an amino acid with highly similar properties. This amino acid position is not well conserved in available vertebrate species. In addition, the in silico prediction for this alteration is inconclusive. Based on the available evidence, the clinical significance of this variant remains unclear.

Labcorp Genetics (formerly Invitae), Labcorp
Classification: Uncertain significance for Osteogenesis imperfecta type I; Ehlers-Danlos syndrome, classic type, 1. Last evaluated: 2024-04-02. Review status: criteria provided, single submitter. Criteria: Invitae Variant Classification Sherloc (09022015). Collection method: clinical testing. Allele origin: germline.
Comment: This sequence change replaces proline, which is neutral and non-polar, with threonine, which is neutral and polar, at codon 50 of the COL1A2 protein (p.Pro50Thr). This variant is not present in population databases (gnomAD no frequency). This variant has not been reported in the literature in individuals affected with COL1A2-related conditions. ClinVar contains an entry for this variant (Variation ID: 1773741). Advanced modeling of protein sequence and biophysical properties (such as structural, functional, and spatial information, amino acid conservation, physicochemical variation, residue mobility, and thermodynamic stability) performed at Invitae indicates that this missense variant is not expected to disrupt COL1A2 protein function with a negative predictive value of 95%. In summary, the available evidence is currently insufficient to determine the role of this variant in disease. Therefore, it has been classified as a Variant of Uncertain Significance.

NM_000089.4(COL1A2):c.148C>A (p.Pro50Thr)

Gene: COL1A2 (collagen type I alpha 2 chain; plus strand). Cytogenetic location: 7q21.3.
Variant type: single nucleotide variant.
Coding change: c.148C>A on transcript NM_000089.4 (MANE Select); coding-DNA position 148, C replaced by A.
Protein change: p.Pro50Thr; replaces proline 50 with threonine.
Molecular consequence: missense variant.
Genome position (GRCh38, 1-based): chr7:94,400,211, C>A. VCF-style: chr7-94400211-C-A. GRCh37 (hg19) VCF-style: chr7-94029523-C-A.
Other names: short protein forms P50T.
Identifiers: ClinVar variation 1773741 (VCV001773741.5), dbSNP rs879344129, ClinGen allele CA368219131.